The following is an entry in ClinVar:

NM_000037.4(ANK1):c.5282C>T (p.Thr1761Met)

Gene: ANK1 (ankyrin 1; minus strand). Cytogenetic location: 8p11.21.
Variant type: single nucleotide variant.
Coding change: c.5282C>T on transcript NM_000037.4 (MANE Select); coding-DNA position 5282, C replaced by T.
Protein change: p.Thr1761Met; replaces threonine 1761 with methionine.
Molecular consequence: missense variant.
Genome position (GRCh38, 1-based): chr8:41,668,379, G>A on the plus strand (C>T on the coding strand, the complement: ANK1 is on the minus strand). VCF-style: chr8-41668379-G-A. GRCh37 (hg19) VCF-style: chr8-41525897-G-A.
Other names: c.5405C>T, p.Thr1802Met (NM_001142446.2); c.5282C>T, p.Thr1761Met (NM_020475.3, NM_020476.3); c.4796C>T, p.Thr1599Met (NM_020477.3); c.5282C>T (NM_000037.3); short protein forms T1599M, T1761M, T1802M.
Identifiers: ClinVar variation 2688554 (VCV002688554.5), dbSNP rs528337744, ClinGen allele CA4727331.

ClinVar aggregate classification (germline): Uncertain significance. Review status: criteria provided, multiple submitters, no conflicts (2 of 4 stars). 4 submissions from 4 submitters: Uncertain significance (4). Last evaluated 2026-01-26.

Conditions:
Inborn genetic diseases. Identifiers: MedGen C0950123, MeSH D030342.
Hereditary spherocytosis type 1. Also called: Spherocytosis type 1; ANK1-Related Spherocytosis. Identifiers: Orphanet 822, MedGen C2674218, MONDO:0008447, OMIM 182900.

Allele frequency attached by ClinVar (database versions not stated): gnomAD exomes 0.00001; TOPMed 0.00002; ExAC 0.00003; gnomAD 0.00003; 1000 Genomes Project 30x 0.00047; 1000 Genomes Project 0.00060.
gnomAD v4.1: 15 of 1,614,208 alleles (0.00093%); highest among the groups gnomAD compares: South Asian, 0.0066%; no homozygotes.

Submissions (4):

Labcorp Genetics (formerly Invitae), Labcorp
Classification: Uncertain significance. Last evaluated: 2026-01-26. Review status: criteria provided, single submitter. Criteria: Invitae Variant Classification Sherloc (09022015). Collection method: clinical testing. Allele origin: germline.
Comment: This sequence change replaces threonine, which is neutral and polar, with methionine, which is neutral and non-polar, at codon 1761 of the ANK1 protein (p.Thr1761Met). This variant is present in population databases (rs528337744, gnomAD 0.01%). This variant has not been reported in the literature in individuals affected with ANK1-related conditions. ClinVar contains an entry for this variant (Variation ID: 2688554). An algorithm developed to predict the effect of missense changes on protein structure and function outputs the following: PolyPhen-2: "Benign". The methionine amino acid residue is found in multiple mammalian species, which suggests that this missense change does not adversely affect protein function. In summary, the available evidence is currently insufficient to determine the role of this variant in disease. Therefore, it has been classified as a Variant of Uncertain Significance.

Ambry Genetics
Classification: Uncertain significance for Inborn genetic diseases. Last evaluated: 2024-06-26. Review status: criteria provided, single submitter. Criteria: Ambry Variant Classification Scheme 2023. Collection method: clinical testing. Allele origin: germline.

Revvity Omics, Revvity
Classification: Uncertain significance for Hereditary spherocytosis type 1. Last evaluated: 2023-06-29. Review status: criteria provided, single submitter. Criteria: ACMG Guidelines, 2015. Collection method: clinical testing. Allele origin: germline.

Neuberg Centre For Genomic Medicine, NCGM
Classification: Uncertain significance for Hereditary spherocytosis type 1. Last evaluated: 2023-05-20. Review status: criteria provided, single submitter. Criteria: ACMG Guidelines, 2015. Collection method: clinical testing. Allele origin: germline. Inheritance: Autosomal recessive inheritance. Affected: yes.
Comment: The missense variant c.5282C>T(p.Thr1761Met) in the ANK1 gene has not been reported previously as a pathogenic variant nor as a benign variant, to our knowledge. This variant is reported with the allele frequency (0.001%) in the gnomAD Exomes. The amino acid Threonine at position 1761 is changed to a Methionine changing protein sequence and it might alter its composition and physico-chemical properties. Multiple lines of computational evidence (Polyphen - Damaging/Probably damaging/Benign, SIFT - Damaging/Tolerated and MutationTaster - Disease causing/Polymorphism) predict no damaging effect on protein structure and function for this variant. The amino acid change p.Thr1761Met in ANK1 is predicted as conserved by PhyloP across 100 vertebrates. For these reasons, this variant has been classified as Uncertain Significance.